The following is an entry in ClinVar:

ClinVar aggregate classification (germline): Uncertain significance (1 of 4 stars; one submission).

Conditions:
Ullrich congenital muscular dystrophy 1A. Also called: Intermediate COL6-RD; Ullrich congenital muscular dystrophy 1. Identifiers: Orphanet 75840, MedGen C0410179, MONDO:0009681, OMIM 254090.

Submission:

Centre for Mendelian Genomics, University Medical Centre Ljubljana
Classification: Uncertain significance for Ullrich congenital muscular dystrophy 1A. Last evaluated: 2018-10-08. Review status: criteria provided, single submitter. Criteria: ACMG Guidelines, 2015. Collection method: clinical testing. Allele origin: unknown. Affected: yes.
Comment: This variant was classified as: Uncertain significance. The available evidence on this variant's pathogenicity is insufficient or conflicting. The following ACMG criteria were applied in classifying this variant: PM2,BP4.

NM_004369.4(COL6A3):c.4070T>G (p.Val1357Gly)

Gene: COL6A3 (collagen type VI alpha 3 chain; minus strand). Cytogenetic location: 2q37.3.
Variant type: single nucleotide variant.
Coding change: c.4070T>G on transcript NM_004369.4 (MANE Select); coding-DNA position 4070, T replaced by G.
Protein change: p.Val1357Gly; replaces valine 1357 with glycine.
Molecular consequence: missense variant.
Genome position (GRCh38, 1-based): chr2:237,371,947, A>C on the plus strand (T>G on the coding strand, the complement: COL6A3 is on the minus strand). VCF-style: chr2-237371947-A-C. GRCh37 (hg19) VCF-style: chr2-238280590-A-C.
Other names: c.3452T>G, p.Val1151Gly (NM_057165.5, NM_057167.4); c.2249T>G, p.Val750Gly (NM_057166.5); c.2849T>G, p.Val950Gly (NM_057164.5); short protein forms V1151G, V750G, V1357G, V950G.
Identifiers: ClinVar variation 931801 (VCV000931801.3), dbSNP rs1480888719, ClinGen allele CA351197144.